The following is an entry in ClinVar:

ClinVar aggregate classification (germline): Likely benign. Review status: criteria provided, multiple submitters, no conflicts (2 of 4 stars). 3 submissions from 3 submitters: Likely benign (2). 1 of the submissions does not count toward it. Last evaluated 2025-07-28.

Conditions:
COL4A1-related disorder. Also called: COL4A1-related condition; COL4A1-related disorders. Identifiers: MedGen CN376119, MONDO:0800461.

Allele frequency attached by ClinVar (database versions not stated): gnomAD 0.00026 and 0.00024; 1000 Genomes Project 0.00060; 1000 Genomes Project 30x 0.00078; gnomAD exomes 0.00001 and 0.00004; ExAC 0.00005; ESP Exome Variant Server 0.00015; TOPMed 0.00023.
gnomAD v4.1: 57 of 1,614,190 alleles (0.0035%); highest among the groups gnomAD compares: African/African-American, 0.069%; no homozygotes.

Submissions (4):

Labcorp Genetics (formerly Invitae), Labcorp
Classification: Likely benign. Last evaluated: 2025-07-28. Review status: criteria provided, single submitter. Criteria: Invitae Variant Classification Sherloc (09022015). Collection method: clinical testing. Allele origin: germline.

ARUP Laboratories, Molecular Genetics and Genomics, ARUP Laboratories
Classification: Likely benign. Last evaluated: 2025-04-30. Review status: criteria provided, single submitter. Criteria: ARUP Molecular Germline Variant Investigation Process 2024. Collection method: clinical testing. Allele origin: germline.

PreventionGenetics, part of Exact Sciences
Classification: Likely benign for COL4A1-related condition. Last evaluated: 2023-09-25. Review status: no assertion criteria provided. Collection method: clinical testing. Allele origin: germline. Not counted in ClinVar's aggregate classification.
Comment: This variant is classified as likely benign based on ACMG/AMP sequence variant interpretation guidelines (Richards et al. 2015 PMID: 25741868, with internal and published modifications).

Dr. Peter K. Rogan Lab, Western University
No classification provided (evidence only). Condition: Cervical cancer. Review status: no classification provided. Collection method: in vitro. Allele origin: not applicable. Functional consequence: retained intron. Not counted in ClinVar's aggregate classification.

NM_001845.6(COL4A1):c.966G>A (p.Lys322=)

Gene: COL4A1 (collagen type IV alpha 1 chain; minus strand). Cytogenetic location: 13q34.
Variant type: single nucleotide variant.
Coding change: c.966G>A on transcript NM_001845.6 (MANE Select); coding-DNA position 966, G replaced by A.
Protein change: p.Lys322=; no amino-acid change (lysine 322 retained).
Molecular consequence: synonymous variant.
Genome position (GRCh38, 1-based): chr13:110,203,599, C>T on the plus strand (G>A on the coding strand, the complement: COL4A1 is on the minus strand). VCF-style: chr13-110203599-C-T. GRCh37 (hg19) VCF-style: chr13-110855946-C-T.
Other names: c.966G>A, p.Lys322= (NM_001303110.2).
Identifiers: ClinVar variation 772062 (VCV000772062.13), dbSNP rs372969177, ClinGen allele CA7048178.